The following is an entry in ClinVar:

NM_000186.4(CFH):c.2867C>T (p.Thr956Met)

Gene: CFH (complement factor H; plus strand). Cytogenetic location: 1q31.3.
Variant type: single nucleotide variant.
Coding change: c.2867C>T on transcript NM_000186.4 (MANE Select); coding-DNA position 2867, C replaced by T.
Protein change: p.Thr956Met; replaces threonine 956 with methionine.
Molecular consequence: missense variant.
Genome position (GRCh38, 1-based): chr1:196,740,703, C>T. VCF-style: chr1-196740703-C-T. GRCh37 (hg19) VCF-style: chr1-196709833-C-T.
Other names: p.Thr956Met; short protein forms T956M.
Identifiers: ClinVar variation 294511 (VCV000294511.81), dbSNP rs145975787, ClinGen allele CA1305764.
Genomic context (GRCh38, chr1:196,740,703, plus strand): 5'-AGATTTCTCATGGTGTTGTAGCTCACATGTCAGACAGTTATCAGTATGGAGAAGAAGTTA[C>T]GTACAAATGTTTTGAAGGTTTTGGAATTGATGGGCCTGCAATTGCAAAATGCTTAGGAGA-3'
Protein context (NP_000177.2, residues 946-966): SDSYQYGEEV[Thr956Met]YKCFEGFGID

ClinVar aggregate classification (germline): Conflicting classifications of pathogenicity. Review status: criteria provided, conflicting classifications (1 of 4 stars). 14 submissions from 11 submitters: Uncertain significance (1); Benign (2); Likely benign (10). 1 of the submissions does not count toward it. Last evaluated 2026-09-17.

Conditions:
Age related macular degeneration 4. Identifiers: MedGen C1853147, MONDO:0012540, OMIM 610698.
Factor H deficiency (CFHD). Also called: CFH DEFICIENCY; COMPLEMENT FACTOR H DEFICIENCY. Identifiers: Orphanet 200421, MedGen C0398777, MONDO:0012350, OMIM 609814.
Basal laminar drusen. Also called: DRUSEN OF BRUCH MEMBRANE; DRUSEN, CUTICULAR; DRUSEN, EARLY ADULT-ONSET, GROUPED. Identifiers: Orphanet 75376, MedGen C0730295, MONDO:0007472, OMIM 126700.
Atypical hemolytic-uremic syndrome. Identifiers: Orphanet 2134, MedGen C2931788, MONDO:0016244.
Complement 3 glomerulopathy. Also called: C3 Glomerulopathy. Identifiers: Orphanet 329918, MedGen C4087273, MONDO:0018013.
CFH-related disorder. Also called: CFH-related condition; CFH-related disorders.
CFH-Related Dense Deposit Disease / Membranoproliferative Glomerulonephritis Type II. Identifiers: MedGen CN071292.
Hemolytic uremic syndrome, atypical, susceptibility to, 1. Also called: AHUS, SUSCEPTIBILITY TO, 1. Identifiers: Orphanet 2134, Orphanet 90038, MedGen C2749604, MONDO:0009335, OMIM 235400. Disease mechanism: Other.

Allele frequency attached by ClinVar (database versions not stated): ESP Exome Variant Server 0.00115; 1000 Genomes Project 0.00120; ExAC 0.00121; TOPMed 0.00121; gnomAD 0.00130 and 0.00134; gnomAD exomes 0.00132 and 0.00262; 1000 Genomes Project 30x 0.00156.
gnomAD v4.1: 4,003 of 1,613,764 alleles (0.25%); highest among the groups gnomAD compares: Non-Finnish European, 0.3%; 11 homozygotes.

Submissions (14):

Genomenon, Inc
Classification: Likely benign for Age related macular degeneration 4; Atypical hemolytic-uremic syndrome; Factor H deficiency; Basal laminar drusen. Last evaluated: 2026-09-17. Review status: criteria provided, single submitter. Criteria: Genomenon Sequence Variant Interpretation Standards - Updated. Collection method: curation. Allele origin: germline. Affected: yes.
Comment: CFH p.Thr956Met (c.2867C>T) is a missense variant that changes the amino acid at codon 956 from threonine to methionine. This variant has been reported in the published literature (PMID: 30890598; 35925583; 34260947; 26501415; 25188723; 23852337; 16968692; 28859202; 18215115; 22170528). This variant's allele frequency in gnomAD is greater than expected for this disorder. In conclusion, we classify CFH p.Thr956Met (c.2867C>T) as a likely benign variant.

Women's Health and Genetics/Laboratory Corporation of America, LabCorp
Classification: Likely benign. Last evaluated: 2026-04-23. Review status: criteria provided, single submitter. Criteria: LabCorp Variant Classification Summary - May 2015. Collection method: clinical testing. Allele origin: germline.
Comment: Variant summary: CFH c.2867C>T (p.Thr956Met) results in a non-conservative amino acid change in the encoded protein sequence. Algorithms developed to predict the effect of missense changes on protein structure and function are either unavailable or do not agree on the potential impact of this missense change. The variant allele was found at a frequency of 0.0025 in 1613764 control chromosomes in the gnomAD database, including 11 homozygotes. The observed variant frequency exceeds the estimated maximal expected allele frequency for disease-causing variants in CFH, providing supporting evidence for a benign role. c.2867C>T has been observed in individuals affected with CFH-Related Disorders without evidence for causality (deJong_2021). These report(s) do not provide unequivocal conclusions about association of the variant with CFH-Related Disorders. At least one publication reports experimental evidence evaluating an impact on protein function. These results showed no damaging effect of this variant (Merinero_2021). The following publications have been ascertained in the context of this evaluation (PMID: 34508573, 34189567). ClinVar contains an entry for this variant (Variation ID: 294511). Based on the evidence outlined above, the variant was classified as likely benign.

Labcorp Genetics (formerly Invitae), Labcorp
Classification: Benign. Last evaluated: 2026-02-01. Review status: criteria provided, single submitter. Criteria: Invitae Variant Classification Sherloc (09022015). Collection method: clinical testing. Allele origin: germline.

Mayo Clinic Laboratories, Mayo Clinic
Classification: Benign. Last evaluated: 2025-05-14. Review status: criteria provided, single submitter. Criteria: ACMG Guidelines, 2015. Collection method: clinical testing. Allele origin: germline. Observed: 8 variant alleles.
Comment: BS1, BS3

CeGaT Center for Human Genetics Tuebingen
Classification: Likely benign. Last evaluated: 2025-02-01. Review status: criteria provided, single submitter. Criteria: CeGaT Center For Human Genetics Tuebingen Variant Classification Criteria Version 2. Collection method: clinical testing. Allele origin: germline. Affected: yes. Observed: 4 variant alleles.
Comment: CFH: BP4

Blueprint Genetics
Classification: Likely benign. Last evaluated: 2024-11-18. Review status: criteria provided, single submitter. Criteria: ACMG Guidelines, 2015. Collection method: clinical testing. Allele origin: germline.

Genome Diagnostics Laboratory, The Hospital for Sick Children
Classification: Likely benign for Atypical hemolytic-uremic syndrome. Last evaluated: 2021-11-16. Review status: criteria provided, single submitter. Criteria: ACMG Guidelines, 2015. Collection method: clinical testing. Allele origin: germline.

GeneDx
Classification: Likely benign. Last evaluated: 2018-03-29. Review status: criteria provided, single submitter. Criteria: GeneDx Variant Classification (06012015). Collection method: clinical testing. Allele origin: germline. Affected: yes.
Comment: This variant is considered likely benign or benign based on one or more of the following criteria: it is a conservative change, it occurs at a poorly conserved position in the protein, it is predicted to be benign by multiple in silico algorithms, and/or has population frequency not consistent with disease.

Illumina Laboratory Services, Illumina
Classification: Likely benign for Age related macular degeneration 4. Last evaluated: 2017-04-27. Review status: criteria provided, single submitter. Criteria: ICSL Variant Classification Criteria 13 December 2019. Collection method: clinical testing. Allele origin: germline.
Comment: This variant was observed as part of a predisposition screen in an ostensibly healthy population. A literature search was performed for the gene, cDNA change, and amino acid change (where applicable). No publications were found based on this search. Allele frequency data from public databases allowed determination this variant is unlikely to cause disease. Therefore, this variant is classified as likely benign.

Illumina Laboratory Services, Illumina
Classification: Likely benign for Membranoproliferative glomerulonephritis with complement factor h deficiency. Last evaluated: 2017-04-27. Review status: criteria provided, single submitter. Criteria: ICSL Variant Classification Criteria 13 December 2019. Collection method: clinical testing. Allele origin: germline.
Comment: This variant was observed as part of a predisposition screen in an ostensibly healthy population. A literature search was performed for the gene, cDNA change, and amino acid change (where applicable). Publications were found based on this search. The evidence from the literature, in combination with allele frequency data from public databases where available, was sufficient to determine this variant is unlikely to cause disease. Therefore, this variant is classified as likely benign.

Illumina Laboratory Services, Illumina
Classification: Likely benign for Basal laminar drusen. Last evaluated: 2017-04-27. Review status: criteria provided, single submitter. Criteria: ICSL Variant Classification Criteria 13 December 2019. Collection method: clinical testing. Allele origin: germline.
Comment: the same text as in the submission from Illumina Laboratory Services, Illumina above.

Illumina Laboratory Services, Illumina
Classification: Likely benign for Hemolytic uremic syndrome, atypical, susceptibility to, 1. Last evaluated: 2017-04-27. Review status: criteria provided, single submitter. Criteria: ICSL Variant Classification Criteria 13 December 2019. Collection method: clinical testing. Allele origin: germline.
Comment: the same text as in the submission from Illumina Laboratory Services, Illumina above.

John Atkinson Laboratory, Washington University School of Medicine in St. Louis
Classification: Uncertain significance for Complement 3 glomerulopathy. Last evaluated: 2015-06-02. Review status: criteria provided, single submitter. Criteria: ACMG Guidelines, 2015. Collection method: clinical testing. Allele origin: germline. Affected: yes.

PreventionGenetics, part of Exact Sciences
Classification: Likely benign for CFH-related condition. Last evaluated: 2020-02-18. Review status: no assertion criteria provided. Collection method: clinical testing. Allele origin: germline. Not counted in ClinVar's aggregate classification.
Comment: This variant is classified as likely benign based on ACMG/AMP sequence variant interpretation guidelines (Richards et al. 2015 PMID: 25741868, with internal and published modifications).

Literature cited by the submitters: PubMed 30890598 (cited by Genomenon, Inc); PubMed 35925583 (cited by Genomenon, Inc); PubMed 34260947 (cited by Genomenon, Inc and Mayo Clinic Laboratories, Mayo Clinic); PubMed 26501415 (cited by Genomenon, Inc); PubMed 25188723 (cited by Genomenon, Inc); PubMed 23852337 (cited by Genomenon, Inc); PubMed 16968692 (cited by Genomenon, Inc); PubMed 28859202 (cited by Genomenon, Inc); PubMed 18215115 (cited by Genomenon, Inc); PubMed 22170528 (cited by Genomenon, Inc); PubMed 34189567 (cited by Women's Health and Genetics/Laboratory Corporation of America, LabCorp and Mayo Clinic Laboratories, Mayo Clinic); PubMed 34508573 (cited by Women's Health and Genetics/Laboratory Corporation of America, LabCorp and Mayo Clinic Laboratories, Mayo Clinic); PubMed 11170895 (cited by Mayo Clinic Laboratories, Mayo Clinic); PubMed 22223606 (cited by Mayo Clinic Laboratories, Mayo Clinic and Illumina Laboratory Services, Illumina); PubMed 25814826 (cited by Mayo Clinic Laboratories, Mayo Clinic); PubMed 26764160 (cited by Mayo Clinic Laboratories, Mayo Clinic); PubMed 28941939 (cited by Mayo Clinic Laboratories, Mayo Clinic); PubMed 29148534 (cited by Mayo Clinic Laboratories, Mayo Clinic); PubMed 29888403 (cited by Mayo Clinic Laboratories, Mayo Clinic); PubMed 30476936 (cited by Mayo Clinic Laboratories, Mayo Clinic); PubMed 34912830 (cited by Mayo Clinic Laboratories, Mayo Clinic); PubMed 35372954 (cited by Mayo Clinic Laboratories, Mayo Clinic); PubMed 36626252 (cited by Mayo Clinic Laboratories, Mayo Clinic); PubMed 21415311 (cited by Illumina Laboratory Services, Illumina); PubMed 22403278 (cited by Illumina Laboratory Services, Illumina).